The following is an entry in ClinVar:

ClinVar aggregate classification (germline): Pathogenic. Review status: criteria provided, multiple submitters, no conflicts (2 of 4 stars). 2 submissions from 2 submitters: Pathogenic (2). Last evaluated 2025-10-03.

Conditions:
Hereditary cancer-predisposing syndrome. Also called: Tumor predisposition; Neoplastic Syndromes, Hereditary; Hereditary Cancer Syndrome; Hereditary neoplastic syndrome. Identifiers: Orphanet 140162, MedGen C0027672, MeSH D009386, MONDO:0015356.
ATM-related disorder. Also called: ATM-related disorders; ATM-related condition.

Submissions (2):

PreventionGenetics, part of Exact Sciences
Classification: Pathogenic for ATM-related condition. Last evaluated: 2025-10-03. Review status: criteria provided, single submitter. Criteria: ACMG Guidelines, 2015. Collection method: clinical testing. Allele origin: germline.
Comment: The ATM c.338delC variant is predicted to result in a frameshift and premature protein termination (p.Pro113Leufs*3). To our knowledge, this variant has not been reported in the literature or in a large population database (gnomAD), indicating this variant is rare. This variant is interpreted as pathogenic in ClinVar (Variation ID: 3233017). Frameshift variants in ATM are expected to be pathogenic. This variant is interpreted as pathogenic.

Ambry Genetics
Classification: Pathogenic for Hereditary cancer-predisposing syndrome. Last evaluated: 2024-01-16. Review status: criteria provided, single submitter. Criteria: Ambry Variant Classification Scheme 2023. Collection method: clinical testing. Allele origin: germline.
Comment: The c.338delC pathogenic mutation, located in coding exon 4 of the ATM gene, results from a deletion of one nucleotide at nucleotide position 338, causing a translational frameshift with a predicted alternate stop codon (p.P113Lfs*3). This variant is considered to be rare based on population cohorts in the Genome Aggregation Database (gnomAD). This alteration is expected to result in loss of function by premature protein truncation or nonsense-mediated mRNA decay. As such, this alteration is interpreted as a disease-causing mutation.

NM_000051.4(ATM):c.338del (p.Pro113fs)

Gene: ATM (ATM serine/threonine kinase; plus strand). Cytogenetic location: 11q22.3.
Variant type: Deletion.
Coding change: c.338del on transcript NM_000051.4 (MANE Select); coding-DNA position 338, one base deleted (C; older notation c.338delC).
Protein change: p.Pro113fs; shifts the reading frame from proline 113.
Molecular consequence: frameshift variant.
Genome position (GRCh38, 1-based): chr11:108,235,676, C deleted; the last of 2 consecutive C bases (chr11:108,235,675-108,235,676); deleting either gives the same sequence. VCF-style (leftmost placement, unchanged base first): chr11-108235674-AC-A. GRCh37 (hg19) VCF-style: chr11-108106401-AC-A.
Other names: c.338del, p.Pro113fs (NM_001351834.2); short protein forms P113fs.
Identifiers: ClinVar variation 3233017 (VCV003233017.2), dbSNP rs2497016144, ClinGen allele CA2615853126.
Genomic context (GRCh38, chr11:108,235,674, plus strand): 5'-AGTGTCTTATTTTTGTTCAAATTTATGTTTTTCTTTATTTGTTTATTTTGAAATAGGAGC[AC>A]CTAGGCTAAAATGTCAAGAACTCTTAAATTATATCATGGATACAGTGAAAGATTCATCTA-3'